The following is an entry in ClinVar:

NM_006231.4(POLE):c.6658G>A (p.Val2220Ile)

Gene: POLE (DNA polymerase epsilon, catalytic subunit; minus strand). Cytogenetic location: 12q24.33.
Variant type: single nucleotide variant.
Coding change: c.6658G>A on transcript NM_006231.4 (MANE Select); coding-DNA position 6658, G replaced by A.
Protein change: p.Val2220Ile; replaces valine 2220 with isoleucine.
Molecular consequence: missense variant.
Genome position (GRCh38, 1-based): chr12:132,624,994, C>T on the plus strand (G>A on the coding strand, the complement: POLE is on the minus strand). VCF-style: chr12-132624994-C-T. GRCh37 (hg19) VCF-style: chr12-133201580-C-T.
Other names: c.6658G>A (NM_006231.2); short protein forms V2220I.
Identifiers: ClinVar variation 642681 (VCV000642681.10), dbSNP rs1060500804, ClinGen allele CA387366295.

ClinVar aggregate classification (germline): Conflicting classifications of pathogenicity. Review status: criteria provided, conflicting classifications (1 of 4 stars). 2 submissions from 2 submitters: Uncertain significance (1); Likely benign (1). Last evaluated 2026-05-06.

Conditions:
Hereditary cancer-predisposing syndrome. Also called: Tumor predisposition; Hereditary Cancer Syndrome; Neoplastic Syndromes, Hereditary; Hereditary neoplastic syndrome. Identifiers: Orphanet 140162, MedGen C0027672, MeSH D009386, MONDO:0015356.

Allele frequency attached by ClinVar (database versions not stated): gnomAD exomes below 0.00001; TOPMed below 0.00001; gnomAD 0.00001.
gnomAD v4.1: 2 of 1,613,272 alleles (0.00012%); highest among the groups gnomAD compares: East Asian, 0.0022%; no homozygotes.

Submissions (2):

Ambry Genetics
Classification: Likely benign for Hereditary cancer-predisposing syndrome. Last evaluated: 2026-05-06. Review status: criteria provided, single submitter. Criteria: Ambry Variant Classification Scheme 2023. Collection method: clinical testing. Allele origin: germline.

Labcorp Genetics (formerly Invitae), Labcorp
Classification: Uncertain significance. Last evaluated: 2026-01-31. Review status: criteria provided, single submitter. Criteria: Invitae Variant Classification Sherloc (09022015). Collection method: clinical testing. Allele origin: germline.
Comment: This sequence change replaces valine, which is neutral and non-polar, with isoleucine, which is neutral and non-polar, at codon 2220 of the POLE protein (p.Val2220Ile). This variant is present in population databases (no rsID available, gnomAD 0.006%). This variant has not been reported in the literature in individuals affected with POLE-related conditions. ClinVar contains an entry for this variant (Variation ID: 642681). An algorithm developed to predict the effect of missense changes on protein structure and function outputs the following: PolyPhen-2: "Benign". The isoleucine amino acid residue is found in multiple mammalian species, which suggests that this missense change does not adversely affect protein function. In summary, the available evidence is currently insufficient to determine the role of this variant in disease. Therefore, it has been classified as a Variant of Uncertain Significance.